The following is an entry in ClinVar:

ClinVar aggregate classification (germline): Pathogenic (1 of 4 stars; one submission).

Conditions:
Autosomal recessive limb-girdle muscular dystrophy type 2E (LGMDR4). Also called: MUSCULAR DYSTROPHY, LIMB-GIRDLE, AUTOSOMAL RECESSIVE 4. Identifiers: Orphanet 119, MedGen C1858593, MONDO:0011423, OMIM 604286. Disease mechanism: Affects gamma-sarcoglycan and also disrupts the integrity of the entire sarcoglycan complex..

Submission:

Labcorp Genetics (formerly Invitae), Labcorp
Classification: Pathogenic for Limb-girdle muscular dystrophy, type 2E. Last evaluated: 2018-12-11. Review status: criteria provided, single submitter. Criteria: Invitae Variant Classification Sherloc (09022015). Collection method: clinical testing. Allele origin: germline.
Comment: A gross deletion of the genomic region encompassing the full coding sequence of the SGCB gene has been identified. The boundaries of this event are unknown as the deletion extends beyond the assayed region for this gene and therefore may encompass additional genes. This variant has not been reported in the literature in individuals with SGCB-related conditions. Loss-of-function variants in SGCB are known to be pathogenic (PMID: 15938573, 18285821). For these reasons, this variant has been classified as Pathogenic.

NC_000004.12:g.(?_52023947)_(52038269_?)del

Genes: SGCB (sarcoglycan beta; minus strand), LOC129992584 (ATAC-STARR-seq lymphoblastoid active region 21552; plus strand), LOC129992585 (ATAC-STARR-seq lymphoblastoid silent region 15421; plus strand). Cytogenetic location: 4q12.
Variant type: Deletion.
Identifiers: ClinVar variation 663428 (VCV000663428.1).